The following is an entry in ClinVar:

NM_002890.3(RASA1):c.2476C>T (p.Gln826Ter)

Genes: CCNH (cyclin H; minus strand), RASA1 (RAS p21 protein activator 1; plus strand). Cytogenetic location: 5q14.3.
Variant type: single nucleotide variant.
Coding change: c.2476C>T on transcript NM_002890.3 (MANE Select); coding-DNA position 2476, C replaced by T.
Protein change: p.Gln826Ter; replaces glutamine 826 with a stop codon.
Molecular consequence: nonsense. On other transcripts: intron variant (1).
Genome position (GRCh38, 1-based): chr5:87,378,527, C>T. VCF-style: chr5-87378527-C-T. GRCh37 (hg19) VCF-style: chr5-86674344-C-T.
Other names: c.1945C>T, p.Gln649Ter (NM_022650.3); c.933+16517G>A (NM_001364075.2); short protein forms Q649*, Q826*.
Identifiers: ClinVar variation 3774521 (VCV003774521.1).
Genomic context (GRCh38, chr5:87,378,527, plus strand): 5'-GCTACACAGTTTGTTCATCATGCTTTGAAAGACTCTATTTTAAAGATAATGGAAAGCAAG[C>T]AGTCTTGTGAGGTAAGAATTTAATGTTTTAATAAGTATTTTTGCAAAGAACATATTTTAA-3'

ClinVar aggregate classification (germline): Pathogenic (1 of 4 stars; one submission).

Conditions:
Capillary malformation (CMC). Also called: Capillary malformations, congenital; CAPILLARY MALFORMATIONS. Identifiers: Orphanet 211247, MedGen C0340803, MONDO:0016231, HP:0025104.

Submission:

Clinical Genomics Laboratory, Washington University in St. Louis
Classification: Pathogenic for Capillary malformation. Last evaluated: 2024-09-26. Review status: criteria provided, single submitter. Criteria: Leon-Quintero et al. (Clin Genet. 2025). Collection method: clinical testing. Allele origin: somatic. Affected: yes.
Comment: A RASA1 c.2476C>T (p.Gln826*) variant was identified at an allelic fraction consistent with somatic origin. The RASA1 c.2476C>T (p.Gln826*) variant, to our knowledge, has not been reported in the medical literature. This variant is absent in the general population database (gnomAD v.4.1.0), indicating it is not a common variant. The RASA1 c.2476C>T (p.Gln826*) variant causes a premature termination codon, which is predicted to result in nonsense-mediated decay, in a gene where loss of function is a known mechanism of disease (Revencu N et al., PMID: 24038909). Based on available information and an internally developed protocol informed by the ACMG/AMP guidelines for variant interpretation and gene-specific practices from the ClinGen Criteria Specification Registry (Leon-Quintero FZ et al., PMID: 39434542), the RASA1 c.2476C>T (p.Gln826*) variant is classified as pathogenic.